The following is an entry in ClinVar:

ClinVar aggregate classification (germline): Uncertain significance (1 of 4 stars; one submission).

Conditions:
Inborn genetic diseases. Identifiers: MedGen C0950123, MeSH D030342.

Submission:

Ambry Genetics
Classification: Uncertain significance for Inborn genetic diseases. Last evaluated: 2026-04-19. Review status: criteria provided, single submitter. Criteria: Ambry Variant Classification Scheme 2023. Collection method: clinical testing. Allele origin: germline.
Comment: The p.S174C variant (also known as c.520A>T), located in coding exon 1 of the SAMD9L gene, results from an A to T substitution at nucleotide position 520. The serine at codon 174 is replaced by cysteine, an amino acid with dissimilar properties. This amino acid position is conserved. In addition, this alteration is predicted to be tolerated by in silico analysis. Based on the available evidence, the clinical significance of this variant remains unclear.

NM_152703.5(SAMD9L):c.520A>T (p.Ser174Cys)

Gene: SAMD9L (sterile alpha motif domain containing 9 like; minus strand). Cytogenetic location: 7q21.2.
Variant type: single nucleotide variant.
Coding change: c.520A>T on transcript NM_152703.5 (MANE Select); coding-DNA position 520, A replaced by T.
Protein change: p.Ser174Cys; replaces serine 174 with cysteine.
Molecular consequence: missense variant.
Genome position (GRCh38, 1-based): chr7:93,135,452, T>A on the plus strand (A>T on the coding strand, the complement: SAMD9L is on the minus strand). VCF-style: chr7-93135452-T-A. GRCh37 (hg19) VCF-style: chr7-92764765-T-A.
Other names: c.520A>T, p.Ser174Cys (NM_001303496.3, NM_001303497.3, NM_001303498.3 and 5 more transcripts); short protein forms S174C.
Identifiers: ClinVar variation 4863949 (VCV004863949.1).